The following is an entry in ClinVar:

ClinVar aggregate classification (germline): Uncertain significance. Review status: criteria provided, multiple submitters, no conflicts (2 of 4 stars). 2 submissions from 2 submitters: Uncertain significance (2). Last evaluated 2026-05-12.

Conditions:
PCNT-related disorder. Also called: PCNT-related condition.

Allele frequency attached by ClinVar (database versions not stated): ExAC 0.00003; gnomAD exomes 0.00003; TOPMed 0.00003; gnomAD 0.00005.
gnomAD v4.1: 58 of 1,614,002 alleles (0.0036%); highest among the groups gnomAD compares: Middle Eastern, 0.066%; no homozygotes.

Submissions (2):

PreventionGenetics, part of Exact Sciences
Classification: Uncertain significance for PCNT-related condition. Last evaluated: 2026-05-12. Review status: criteria provided, single submitter. Criteria: ACMG Guidelines, 2015. Collection method: clinical testing. Allele origin: germline.
Comment: The PCNT c.6235C>T variant is predicted to result in the amino acid substitution p.Arg2079Cys. To our knowledge, this variant has not been reported in the literature. This variant is reported in 0.016% of alleles in individuals of South Asian descent in gnomAD. At this time, the clinical significance of this variant is uncertain due to the absence of conclusive functional and genetic evidence.

Labcorp Genetics (formerly Invitae), Labcorp
Classification: Uncertain significance. Last evaluated: 2022-04-30. Review status: criteria provided, single submitter. Criteria: Invitae Variant Classification Sherloc (09022015). Collection method: clinical testing. Allele origin: germline.
Comment: This sequence change replaces arginine, which is basic and polar, with cysteine, which is neutral and slightly polar, at codon 2079 of the PCNT protein (p.Arg2079Cys). This variant is present in population databases (rs772183974, gnomAD 0.02%). This variant has not been reported in the literature in individuals affected with PCNT-related conditions. Algorithms developed to predict the effect of missense changes on protein structure and function output the following: SIFT: "Tolerated"; PolyPhen-2: "Benign"; Align-GVGD: "Class C0". The cysteine amino acid residue is found in multiple mammalian species, which suggests that this missense change does not adversely affect protein function. In summary, the available evidence is currently insufficient to determine the role of this variant in disease. Therefore, it has been classified as a Variant of Uncertain Significance.

NM_006031.6(PCNT):c.6235C>T (p.Arg2079Cys)

Gene: PCNT (pericentrin; plus strand). Cytogenetic location: 21q22.3.
Variant type: single nucleotide variant.
Coding change: c.6235C>T on transcript NM_006031.6 (MANE Select); coding-DNA position 6235, C replaced by T.
Protein change: p.Arg2079Cys; replaces arginine 2079 with cysteine.
Molecular consequence: missense variant.
Genome position (GRCh38, 1-based): chr21:46,416,153, C>T. VCF-style: chr21-46416153-C-T. GRCh37 (hg19) VCF-style: chr21-47836067-C-T.
Other names: c.6235C>T (NM_006031.5); c.5881C>T, p.Arg1961Cys (NM_001315529.2); short protein forms R1961C, R2079C.
Identifiers: ClinVar variation 2069717 (VCV002069717.5), dbSNP rs772183974, ClinGen allele CA10080285.
Genomic context (GRCh38, chr21:46,416,153, plus strand): 5'-TGTCAGCTGCCGAAGGTCGATCTCGTAGCTCAGGTGAAACAGCTTCAGGAAAAACTGAAC[C>T]GTTTGCTGTATTCCATGACCTTCCAGAATGTGGATGCTGCCGACACCAAATCTCTGTGGC-3'
Protein context (NP_006022.3, residues 2069-2089): QVKQLQEKLN[Arg2079Cys]LLYSMTFQNV